The following is an entry in ClinVar:

NM_000368.5(TSC1):c.2503-1G>A

Gene: TSC1 (TSC complex subunit 1; minus strand). Cytogenetic location: 9q34.13.
Variant type: single nucleotide variant.
Coding change: c.2503-1G>A on transcript NM_000368.5 (MANE Select); the canonical splice acceptor site of the intron before coding-DNA position 2503, G replaced by A.
Molecular consequence: splice acceptor variant.
Genome position (GRCh38, 1-based): chr9:132,900,838, C>T on the plus strand (G>A on the coding strand, the complement: TSC1 is on the minus strand). VCF-style: chr9-132900838-C-T. GRCh37 (hg19) VCF-style: chr9-135776225-C-T.
Other names: c.2347-1G>A (NM_001406611.1, NM_001406612.1); c.2350-1G>A (NM_001162427.2, NM_001406610.1); c.1549-1G>A (NM_001406628.1, NM_001406627.1); c.1552-1G>A (NM_001406626.1); c.2485-1G>A (NM_001406604.1, NM_001406603.1); c.2458-1G>A (NM_001406608.1, NM_001406609.1); c.2500-1G>A (NM_001162426.2, NM_001406599.1, NM_001406597.1 and 2 more transcripts); c.2488-1G>A (NM_001406601.1, NM_001406602.1); and 8 more.
Identifiers: ClinVar variation 2735358 (VCV002735358.3), dbSNP rs118203705, ClinGen allele CA375370378.

ClinVar aggregate classification (germline): Pathogenic (1 of 4 stars; one submission).

Conditions:
Tuberous sclerosis 1 (TSC1). Identifiers: Orphanet 805, MedGen C1854465, MONDO:0008612, OMIM 191100.

Submission:

Labcorp Genetics (formerly Invitae), Labcorp
Classification: Pathogenic for Tuberous sclerosis 1. Last evaluated: 2022-11-17. Review status: criteria provided, single submitter. Criteria: Invitae Variant Classification Sherloc (09022015). Collection method: clinical testing. Allele origin: germline.
Comment: For these reasons, this variant has been classified as Pathogenic. Algorithms developed to predict the effect of sequence changes on RNA splicing suggest that this variant may disrupt the consensus splice site. Disruption of this splice site has been observed in individual(s) with tuberous sclerosis complex (PMID: 9242607, 10942116). This variant is not present in population databases (gnomAD no frequency). This sequence change affects an acceptor splice site in intron 19 of the TSC1 gene. It is expected to disrupt RNA splicing. Variants that disrupt the donor or acceptor splice site typically lead to a loss of protein function (PMID: 16199547), and loss-of-function variants in TSC1 are known to be pathogenic (PMID: 10227394, 17304050).

Literature cited by the submitters: PubMed 9242607; PubMed 10942116; PubMed 16199547; PubMed 10227394; PubMed 17304050.